The following is an entry in ClinVar:

NM_001318852.2(MAPK8IP3):c.3865G>A (p.Gly1289Arg)

Gene: MAPK8IP3 (mitogen-activated protein kinase 8 interacting protein 3; plus strand). Cytogenetic location: 16p13.3.
Variant type: single nucleotide variant.
Coding change: c.3865G>A on transcript NM_001318852.2 (MANE Select); coding-DNA position 3865, G replaced by A.
Protein change: p.Gly1289Arg; replaces glycine 1289 with arginine.
Molecular consequence: missense variant.
Genome position (GRCh38, 1-based): chr16:1,768,599, G>A. VCF-style: chr16-1768599-G-A. GRCh37 (hg19) VCF-style: chr16-1818600-G-A.
Other names: c.3844G>A, p.Gly1282Arg (NM_001040439.2); c.3862G>A, p.Gly1288Arg (NM_015133.5); short protein forms G1282R, G1288R, G1289R.
Identifiers: ClinVar variation 1098633 (VCV001098633.1), dbSNP rs2141961348, ClinGen allele CA394239859.

ClinVar aggregate classification (germline): Uncertain significance (1 of 4 stars; one submission).

Conditions:
Neurodevelopmental disorder with or without variable brain abnormalities; NEDBA. Also called: NEURODEVELOPMENTAL DISORDER WITH OR WITHOUT VARIABLE BRAIN ABNORMALITIES. Identifiers: MedGen C5193102, MONDO:0032755, OMIM 618443.

Allele frequency attached by ClinVar (database versions not stated): gnomAD exomes below 0.00001.
gnomAD v4.1: 3 of 1,592,446 alleles (0.00019%); highest among the groups gnomAD compares: Non-Finnish European, 0.00026%; no homozygotes.

Submission:

New York Genome Center
Classification: Uncertain significance for Neurodevelopmental disorder with or without variable brain abnormalities; NEDBA. Last evaluated: 2020-05-12. Review status: criteria provided, single submitter. Criteria: NYGC Assertion Criteria 2020. Collection method: clinical testing. Allele origin: germline. Observed: 1 heterozygote. Study: CSER-NYCKidSeq.
Comment: The c.3844G>A (p.Gly1282Arg) variant detected in the MAPK8IP3 gene substitutes a very well conserved Glycine for Arginine at amino acid 1282/1331 (coding exon 30/31). This variant is absent from gnomAD suggesting it is not a common benign variant in the populations represented in this database. In silico algorithms predict this variant to be Deleterious (Provean; score: -7.36) and Damaging (SIFT; score:0.00) to the function of the canonical transcript. This variant is absent from ClinVar and to our current knowledge has not been reported in affected individuals in the literature. The p.Gly1282 variant is not within a mapped domain of MAPK8IP3 (UniProtKB: Q9UPT6). Given the lack of compelling evidence for its pathogenicity, the c.3844G>A (p.Gly1282Arg) variant identified in the MAPK8IP3 gene is reported here as a Variant of Uncertain Significance.